The following is an entry in ClinVar:

NM_001271.4(CHD2):c.2505+6G>A

Gene: CHD2 (chromodomain helicase DNA binding protein 2; plus strand). Cytogenetic location: 15q26.1.
Variant type: single nucleotide variant.
Coding change: c.2505+6G>A on transcript NM_001271.4 (MANE Select); 6 bases into the intron after coding-DNA position 2505, G replaced by A.
Molecular consequence: intron variant.
Genome position (GRCh38, 1-based): chr15:92,972,423, G>A. VCF-style: chr15-92972423-G-A. GRCh37 (hg19) VCF-style: chr15-93515653-G-A.
Identifiers: ClinVar variation 4767608 (VCV004767608.2).

ClinVar aggregate classification (germline): Conflicting classifications of pathogenicity. Review status: criteria provided, conflicting classifications (1 of 4 stars). 2 submissions from 2 submitters: Uncertain significance (1); Likely benign (1). Last evaluated 2025-04-02.

Conditions:
Developmental and epileptic encephalopathy 94 (DEE94). Also called: Epileptic encephalopathy, childhood-onset; CHD2-Related Neurodevelopmental Disorders. Identifiers: Orphanet 1942, Orphanet 2382, MedGen C3809278, MONDO:0014150, OMIM 615369.

gnomAD v4.1: 5 of 1,580,794 alleles (0.00032%); highest among the groups gnomAD compares: Non-Finnish European, 0.00043%; no homozygotes.

Submissions (2):

Labcorp Genetics (formerly Invitae), Labcorp
Classification: Uncertain significance for Developmental and epileptic encephalopathy 94. Last evaluated: 2025-04-02. Review status: criteria provided, single submitter. Criteria: Invitae Variant Classification Sherloc (09022015). Collection method: clinical testing. Allele origin: germline.
Comment: This sequence change falls in intron 19 of the CHD2 gene. It does not directly change the encoded amino acid sequence of the CHD2 protein. It affects a nucleotide within the consensus splice site. This variant is not present in population databases (gnomAD no frequency). This variant has not been reported in the literature in individuals affected with CHD2-related conditions. Variants that disrupt the consensus splice site are a relatively common cause of aberrant splicing (PMID: 17576681, 9536098). Algorithms developed to predict the effect of sequence changes on RNA splicing suggest that this variant is not likely to affect RNA splicing. In summary, the available evidence is currently insufficient to determine the role of this variant in disease. Therefore, it has been classified as a Variant of Uncertain Significance.

Blueprint Genetics
Classification: Likely benign. Last evaluated: 2024-06-11. Review status: criteria provided, single submitter. Criteria: ACMG Guidelines, 2015. Collection method: clinical testing. Allele origin: germline.

Literature cited by the submitters: PubMed 17576681 (cited by Labcorp Genetics (formerly Invitae), Labcorp); PubMed 9536098 (cited by Labcorp Genetics (formerly Invitae), Labcorp).